The following is an entry in ClinVar:

NM_201596.3(CACNB2):c.1965T>G (p.Asp655Glu)

Gene: CACNB2 (calcium voltage-gated channel auxiliary subunit beta 2; plus strand). Cytogenetic location: 10p12.31.
Variant type: single nucleotide variant.
Coding change: c.1965T>G on transcript NM_201596.3 (MANE Select); coding-DNA position 1965, T replaced by G.
Protein change: p.Asp655Glu; replaces aspartic acid 655 with glutamic acid.
Molecular consequence: missense variant.
Genome position (GRCh38, 1-based): chr10:18,539,706, T>G. VCF-style: chr10-18539706-T-G. GRCh37 (hg19) VCF-style: chr10-18828635-T-G.
Other names: p.D600E:GAT>GAG; p.Asp601Glu; c.1800T>G, p.Asp600Glu (NM_000724.4); c.1767T>G, p.Asp589Glu (NM_001167945.2); c.1686T>G, p.Asp562Glu (NM_001330060.2); c.1821T>G, p.Asp607Glu (NM_201570.3); c.1881T>G, p.Asp627Glu (NM_201571.4); c.1809T>G, p.Asp603Glu (NM_201572.4); and 3 more; short protein forms D601E, D655E, D600E, D627E, D589E, D603E, D617E, D631E.
Identifiers: ClinVar variation 136649 (VCV000136649.23), dbSNP rs58225473, ClinGen allele CA163172.
Genomic context (GRCh38, chr10:18,539,706, plus strand): 5'-TGAAAAGGATGGAGAAGTGATATCAAAAAAACGGAATGAGGCTGGGGAGTGGAACAGGGA[T>G]GTTTACATCCGCCAATGAGTTTTGCCCGTTTGTGTTTTTTTTTTTTTTTTTTTGAAGTCT-3'
Protein context (NP_963890.2, residues 645-660): KRNEAGEWNR[Asp655Glu]VYIRQ

ClinVar aggregate classification (germline): Benign. Review status: criteria provided, multiple submitters, no conflicts (2 of 4 stars). 9 submissions from 9 submitters: Benign (9). Last evaluated 2026-02-04.

Conditions:
Cardiovascular phenotype. Identifiers: MedGen CN230736.
Brugada syndrome 4 (BRGDA4). Identifiers: Orphanet 130, MedGen C2678477, MONDO:0012743, OMIM 611876.

Allele frequency attached by ClinVar (database versions not stated): 1000 Genomes Project 30x 0.09635; 1000 Genomes Project 0.09704; TOPMed 0.13943; gnomAD 0.14908; ESP Exome Variant Server 0.15159.
gnomAD v4.1: 259,024 of 1,606,432 alleles (16%); highest among the groups gnomAD compares: Middle Eastern, 20%; 22,730 homozygotes.

Submissions (9):

Labcorp Genetics (formerly Invitae), Labcorp
Classification: Benign for Brugada syndrome 4. Last evaluated: 2026-02-04. Review status: criteria provided, single submitter. Criteria: Invitae Variant Classification Sherloc (09022015). Collection method: clinical testing. Allele origin: germline.

Blueprint Genetics
Classification: Benign. Last evaluated: 2024-11-27. Review status: criteria provided, single submitter. Criteria: ACMG Guidelines, 2015. Collection method: clinical testing. Allele origin: germline.

Ambry Genetics
Classification: Benign for Cardiovascular phenotype. Last evaluated: 2015-04-06. Review status: criteria provided, single submitter. Criteria: Ambry Variant Classification Scheme 2023. Collection method: clinical testing. Allele origin: germline.

Eurofins Ntd Llc (ga)
Classification: Benign. Last evaluated: 2015-03-11. Review status: criteria provided, single submitter. Criteria: EGL Classification Definitions 2015. Collection method: clinical testing. Allele origin: germline. Observed: 2 variant alleles, 2 heterozygotes.

Mayo Clinic Laboratories, Mayo Clinic
Classification: Benign. Last evaluated: 2014-12-11. Review status: criteria provided, single submitter. Criteria: ACMG Guidelines, 2015. Collection method: clinical testing. Allele origin: germline. Observed: 168 variant alleles.

Biesecker Lab/Clinical Genomics Section, National Institutes of Health
Classification: Benign. Last evaluated: 2013-06-24. Review status: criteria provided, single submitter. Criteria: Ng et al. (Circ Cardiovasc Genet. 2013). Collection method: research. Allele origin: unknown. Observed: 268 variant alleles. Study: ClinSeq.
Comment: The study set was not selected for affection status in relation to any cancer. Pathogenicity categories were based on literature curation. See Pubmed ID:23861362 for details.

Medical sequencing

GeneDx
Classification: Benign. Last evaluated: 2011-07-11. Review status: criteria provided, single submitter. Criteria: GeneDx Variant Classification (06012015). Collection method: clinical testing. Allele origin: germline. Affected: yes.
Comment: This variant is considered likely benign or benign based on one or more of the following criteria: it is a conservative change, it occurs at a poorly conserved position in the protein, it is predicted to be benign by multiple in silico algorithms, and/or has population frequency not consistent with disease.

Breakthrough Genomics
Classification: Benign. Review status: criteria provided, single submitter. Criteria: ACMG Guidelines, 2015. Collection method: not provided. Allele origin: germline. Inheritance: Autosomal dominant inheritance. Affected: yes.

PreventionGenetics, part of Exact Sciences
Classification: Benign. Review status: criteria provided, single submitter. Criteria: ACMG Guidelines, 2015. Collection method: clinical testing. Allele origin: germline.